The following is an entry in ClinVar:

ClinVar aggregate classification (germline): Uncertain significance (1 of 4 stars; one submission).

Allele frequency attached by ClinVar (database versions not stated): gnomAD 0.00001.
gnomAD v4.1: 3 of 1,613,908 alleles (0.00019%); highest among the groups gnomAD compares: Non-Finnish European, 0.00025%; no homozygotes.

Submission:

CeGaT Center for Human Genetics Tuebingen
Classification: Uncertain significance. Last evaluated: 2023-05-01. Review status: criteria provided, single submitter. Criteria: CeGaT Center For Human Genetics Tuebingen Variant Classification Criteria Version 2. Collection method: clinical testing. Allele origin: germline. Affected: yes. Observed: 1 variant allele.
Comment: SETD1A: PM2

NM_014712.3(SETD1A):c.2747C>T (p.Thr916Ile)

Gene: SETD1A (SET domain containing 1A, histone lysine methyltransferase; plus strand). Cytogenetic location: 16p11.2.
Variant type: single nucleotide variant.
Coding change: c.2747C>T on transcript NM_014712.3 (MANE Select); coding-DNA position 2747, C replaced by T.
Protein change: p.Thr916Ile; replaces threonine 916 with isoleucine.
Molecular consequence: missense variant.
Genome position (GRCh38, 1-based): chr16:30,967,565, C>T. VCF-style: chr16-30967565-C-T. GRCh37 (hg19) VCF-style: chr16-30978886-C-T.
Other names: short protein forms T916I.
Identifiers: ClinVar variation 2646440 (VCV002646440.24), dbSNP rs975791195, ClinGen allele CA395620996.
Genomic context (GRCh38, chr16:30,967,565, plus strand): 5'-AGCGGAAAGAGCCATCGGAAATTTCCGAGGCCAGTGAGGAAAAGAGGCCTCGTCCCTCCA[C>T]TCCTGCTGAGGAAGATGAAGACGGTGAGCAGGGTCAGGCATAAGGAGAAGGGGTGTGCTG-3'
Protein context (NP_055527.1, residues 906-926): ASEEKRPRPS[Thr916Ile]PAEEDEDDPE